The following is an entry in ClinVar:

NM_001458.5(FLNC):c.5651C>T (p.Thr1884Ile)

Genes: FLNC-AS1 (FLNC antisense RNA 1; minus strand), FLNC (filamin C; plus strand). Cytogenetic location: 7q32.1.
Variant type: single nucleotide variant.
Coding change: c.5651C>T on transcript NM_001458.5 (MANE Select); coding-DNA position 5651, C replaced by T.
Protein change: p.Thr1884Ile; replaces threonine 1884 with isoleucine.
Molecular consequence: missense variant.
Genome position (GRCh38, 1-based): chr7:128,851,343, C>T. VCF-style: chr7-128851343-C-T. GRCh37 (hg19) VCF-style: chr7-128491397-C-T.
Other names: c.5552C>T, p.Thr1851Ile (NM_001127487.2); short protein forms T1884I, T1851I.
Identifiers: ClinVar variation 423641 (VCV000423641.8), dbSNP rs1064796546, ClinGen allele CA16618355.

ClinVar aggregate classification (germline): Uncertain significance. Review status: criteria provided, multiple submitters, no conflicts (2 of 4 stars). 3 submissions from 3 submitters: Uncertain significance (3). Last evaluated 2024-07-28.

Conditions:
Cardiovascular phenotype. Identifiers: MedGen CN230736.
Myofibrillar myopathy 5. Also called: Filaminopathy (type); FILAMINOPATHY, AUTOSOMAL DOMINANT. Identifiers: Orphanet 171445, MedGen C1836050, MONDO:0012289, OMIM 609524.
Hypertrophic cardiomyopathy 26. Also called: Cardiomyopathy, familial hypertrophic, 26. Identifiers: Orphanet 75249, MedGen C4310749, MONDO:0014883, OMIM 617047.
Distal myopathy with posterior leg and anterior hand involvement. Also called: WILLIAMS DISTAL MYOPATHY. Identifiers: Orphanet 63273, MedGen C3279722, MONDO:0013550, OMIM 614065.

Submissions (3):

Ambry Genetics
Classification: Uncertain significance for Cardiovascular phenotype. Last evaluated: 2024-07-28. Review status: criteria provided, single submitter. Criteria: Ambry Variant Classification Scheme 2023. Collection method: clinical testing. Allele origin: germline.
Comment: The p.T1884I variant (also known as c.5651C>T), located in coding exon 34 of the FLNC gene, results from a C to T substitution at nucleotide position 5651. The threonine at codon 1884 is replaced by isoleucine, an amino acid with similar properties. This amino acid position is conserved. In addition, this alteration is predicted to be deleterious by in silico analysis. Based on the available evidence, the clinical significance of this variant remains unclear.

Labcorp Genetics (formerly Invitae), Labcorp
Classification: Uncertain significance for Distal myopathy with posterior leg and anterior hand involvement; Myofibrillar myopathy 5; Hypertrophic cardiomyopathy 26. Last evaluated: 2023-01-14. Review status: criteria provided, single submitter. Criteria: Invitae Variant Classification Sherloc (09022015). Collection method: clinical testing. Allele origin: germline.
Comment: In summary, the available evidence is currently insufficient to determine the role of this variant in disease. Therefore, it has been classified as a Variant of Uncertain Significance. Advanced modeling of protein sequence and biophysical properties (such as structural, functional, and spatial information, amino acid conservation, physicochemical variation, residue mobility, and thermodynamic stability) has been performed at Invitae for this missense variant, however the output from this modeling did not meet the statistical confidence thresholds required to predict the impact of this variant on FLNC protein function. ClinVar contains an entry for this variant (Variation ID: 423641). This variant has not been reported in the literature in individuals affected with FLNC-related conditions. This variant is not present in population databases (gnomAD no frequency). This sequence change replaces threonine, which is neutral and polar, with isoleucine, which is neutral and non-polar, at codon 1884 of the FLNC protein (p.Thr1884Ile).

GeneDx
Classification: Uncertain significance. Last evaluated: 2019-06-10. Review status: criteria provided, single submitter. Criteria: GeneDx Variant Classification Process June 2021. Collection method: clinical testing. Allele origin: germline. Affected: yes.
Comment: Not observed in large population cohorts (Lek et al., 2016); In silico analysis, which includes protein predictors and evolutionary conservation, supports a deleterious effect; Has not been previously published as pathogenic or benign to our knowledge